The following is an entry in ClinVar:

ClinVar aggregate classification (germline): Uncertain significance (1 of 4 stars; one submission).

Allele frequency attached by ClinVar (database versions not stated): gnomAD exomes below 0.00001; TOPMed 0.00002.

Submission:

Labcorp Genetics (formerly Invitae), Labcorp
Classification: Uncertain significance. Last evaluated: 2022-09-27. Review status: criteria provided, single submitter. Criteria: Invitae Variant Classification Sherloc (09022015). Collection method: clinical testing. Allele origin: germline.
Comment: This sequence change replaces valine, which is neutral and non-polar, with alanine, which is neutral and non-polar, at codon 68 of the MAK protein (p.Val68Ala). This variant is present in population databases (no rsID available, gnomAD 0.006%). This variant has not been reported in the literature in individuals affected with MAK-related conditions. ClinVar contains an entry for this variant (Variation ID: 1482103). Advanced modeling of protein sequence and biophysical properties (such as structural, functional, and spatial information, amino acid conservation, physicochemical variation, residue mobility, and thermodynamic stability) has been performed at Invitae for this missense variant, however the output from this modeling did not meet the statistical confidence thresholds required to predict the impact of this variant on MAK protein function. In summary, the available evidence is currently insufficient to determine the role of this variant in disease. Therefore, it has been classified as a Variant of Uncertain Significance.

NM_001242957.3(MAK):c.203T>C (p.Val68Ala)

Gene: MAK (male germ cell associated kinase; minus strand). Cytogenetic location: 6p24.2.
Variant type: single nucleotide variant.
Coding change: c.203T>C on transcript NM_001242957.3 (MANE Select); coding-DNA position 203, T replaced by C.
Protein change: p.Val68Ala; replaces valine 68 with alanine.
Molecular consequence: missense variant. On other transcripts: non-coding transcript variant (2).
Genome position (GRCh38, 1-based): chr6:10,817,925, A>G on the plus strand (T>C on the coding strand, the complement: MAK is on the minus strand). VCF-style: chr6-10817925-A-G. GRCh37 (hg19) VCF-style: chr6-10818158-A-G.
Other names: c.203T>C, p.Val68Ala (NM_001242385.2, NM_005906.6); c.101T>C, p.Val34Ala (NM_001377262.1); short protein forms V68A, V34A.
Identifiers: ClinVar variation 1482103 (VCV001482103.6), dbSNP rs1205685765, ClinGen allele CA362721423.